The following is an entry in ClinVar:

NM_000057.4(BLM):c.3469G>A (p.Glu1157Lys)

Gene: BLM (BLM RecQ like helicase; plus strand). Cytogenetic location: 15q26.1.
Variant type: single nucleotide variant.
Coding change: c.3469G>A on transcript NM_000057.4 (MANE Select); coding-DNA position 3469, G replaced by A.
Protein change: p.Glu1157Lys; replaces glutamic acid 1157 with lysine.
Molecular consequence: missense variant. On other transcripts: intron variant (1).
Genome position (GRCh38, 1-based): chr15:90,803,631, G>A. VCF-style: chr15-90803631-G-A. GRCh37 (hg19) VCF-style: chr15-91346861-G-A.
Other names: c.3469G>A, p.Glu1157Lys (NM_001287246.2); c.2344G>A, p.Glu782Lys (NM_001287248.2); c.3358+5294G>A (NM_001287247.2); short protein forms E782K, E1157K.
Identifiers: ClinVar variation 3480781 (VCV003480781.1).

ClinVar aggregate classification (germline): Uncertain significance (1 of 4 stars; one submission).

Conditions:
Hereditary cancer-predisposing syndrome. Also called: Tumor predisposition; Neoplastic Syndromes, Hereditary; Hereditary neoplastic syndrome; Hereditary Cancer Syndrome. Identifiers: Orphanet 140162, MedGen C0027672, MeSH D009386, MONDO:0015356.

Submission:

Ambry Genetics
Classification: Uncertain significance for Hereditary cancer-predisposing syndrome. Last evaluated: 2024-11-26. Review status: criteria provided, single submitter. Criteria: Ambry Variant Classification Scheme 2023. Collection method: clinical testing. Allele origin: germline.
Comment: The p.E1157K variant (also known as c.3469G>A), located in coding exon 17 of the BLM gene, results from a G to A substitution at nucleotide position 3469. The glutamic acid at codon 1157 is replaced by lysine, an amino acid with similar properties. This amino acid position is conserved. In addition, this alteration is predicted to be deleterious by in silico analysis. Based on the available evidence, the clinical significance of this variant remains unclear.